The following is an entry in ClinVar:

ClinVar aggregate classification (germline): Uncertain significance (1 of 4 stars; one submission).

Conditions:
Hereditary breast ovarian cancer syndrome. Also called: Hereditary breast and ovarian cancer syndrome (HBOC); Hereditary breast and ovarian cancer; Breast and ovarian cancer; Hereditary breast and/or ovarian cancer syndrome; BRCA1- and BRCA2-Associated Hereditary Breast and Ovarian Cancer; Hereditary breast and ovarian cancer syndrome. Identifiers: Orphanet 145, MedGen C0677776, MeSH D061325, MONDO:0003582. Disease mechanism: loss of function.

Submission:

Labcorp Genetics (formerly Invitae), Labcorp
Classification: Uncertain significance for Hereditary breast ovarian cancer syndrome. Last evaluated: 2025-08-24. Review status: criteria provided, single submitter. Criteria: Invitae Variant Classification Sherloc (09022015). Collection method: clinical testing. Allele origin: germline.
Comment: This sequence change replaces proline, which is neutral and non-polar, with threonine, which is neutral and polar, at codon 3063 of the BRCA2 protein (p.Pro3063Thr). This variant is not present in population databases (gnomAD no frequency). This variant has not been reported in the literature in individuals affected with BRCA2-related conditions. Invitae Evidence Modeling of protein sequence and biophysical properties (such as structural, functional, and spatial information, amino acid conservation, physicochemical variation, residue mobility, and thermodynamic stability) indicates that this missense variant is not expected to disrupt BRCA2 protein function with a negative predictive value of 95%. In summary, the available evidence is currently insufficient to determine the role of this variant in disease. Therefore, it has been classified as a Variant of Uncertain Significance.

NM_000059.4(BRCA2):c.9187C>A (p.Pro3063Thr)

Gene: BRCA2 (BRCA2 DNA repair associated; plus strand). Cytogenetic location: 13q13.1.
Variant type: single nucleotide variant.
Coding change: c.9187C>A on transcript NM_000059.4 (MANE Select); coding-DNA position 9187, C replaced by A.
Protein change: p.Pro3063Thr; replaces proline 3063 with threonine.
Molecular consequence: missense variant. On other transcripts: non-coding transcript variant (1).
Genome position (GRCh38, 1-based): chr13:32,380,076, C>A. VCF-style: chr13-32380076-C-A. GRCh37 (hg19) VCF-style: chr13-32954213-C-A.
Other names: c.9091C>A, p.Pro3031Thr (NM_001406719.1); c.9136C>A, p.Pro3046Thr (NM_001406720.1); c.4255C>A, p.Pro1419Thr (NM_001406721.1); c.2770C>A, p.Pro924Thr (NM_001406722.1); c.9187C>A, p.Pro3063Thr (NM_001432077.1); short protein forms P1419T, P3031T, P3046T, P3063T, P924T.
Identifiers: ClinVar variation 4802362 (VCV004802362.1).